The following is an entry in ClinVar:

NM_001042492.3(NF1):c.7797dup (p.Glu2600Ter)

Gene: NF1 (neurofibromin 1; plus strand). Cytogenetic location: 17q11.2.
Variant type: Duplication.
Coding change: c.7797dup on transcript NM_001042492.3 (MANE Select); coding-DNA position 7797, one base duplicated (T; older notation c.7797dupT).
Protein change: p.Glu2600Ter; replaces glutamic acid 2600 with a stop codon.
Molecular consequence: nonsense. On other transcripts: frameshift variant (1).
Genome position (GRCh38, 1-based): chr17:31,357,018, T duplicated. VCF-style (leftmost placement, unchanged base first): chr17-31357017-C-CT. GRCh37 (hg19) VCF-style: chr17-29684035-C-CT.
Other names: c.7734dupT (NM_000267.3); c.7734dup, p.Glu2579Terfs (NM_000267.4); short protein forms E2579*, E2600*.
Identifiers: ClinVar variation 216867 (VCV000216867.5), dbSNP rs863224837, ClinGen allele CA337846.

ClinVar aggregate classification (germline): Pathogenic (1 of 4 stars; one submission).

Conditions:
Neurofibromatosis, type 1 (NF1). Also called: VON RECKLINGHAUSEN DISEASE; Peripheral type neurofibromatosis; Neurofibromatosis, type I; NEUROFIBROMATOSIS, TYPE I, SOMATIC. Identifiers: Orphanet 636, MedGen C0027831, MONDO:0018975, OMIM 162200. Disease mechanism: loss of function.

Submission:

Labcorp Genetics (formerly Invitae), Labcorp
Classification: Pathogenic for Neurofibromatosis, type 1. Last evaluated: 2015-04-28. Review status: criteria provided, single submitter. Criteria: Invitae Variant Classification Sherloc (09022015). Collection method: clinical testing. Allele origin: germline.
Comment: While this particular variant has not been reported in the literature, truncating variants in NF1 are known to be pathogenic (PMID: 23656349). This sequence change inserts 1 nucleotide in exon 52 of the NF1 mRNA (c.7734dupT). This creates a premature translational stop signal (p.Glu2579*) and is expected to result in an absent or disrupted protein product. For these reasons, this variant has been classified as Pathogenic.

Literature cited by the submitters: PubMed 23656349.